The following is an entry in ClinVar:

ClinVar aggregate classification (germline): Uncertain significance (1 of 4 stars; one submission).

Conditions:
Neurodevelopmental disorder with hypotonia, neonatal respiratory insufficiency, and thermodysregulation. Identifiers: MedGen C5394091, MONDO:0032921, OMIM 618797.

Submission:

OLLIN Analises Genomicas, OLLIN
Classification: Uncertain significance for Neurodevelopmental disorder with hypotonia, neonatal respiratory insufficiency, and thermodysregulation. Last evaluated: 2026-08-06. Review status: criteria provided, single submitter. Criteria: ACMG Guidelines 2015 PMID 25741868. Collection method: clinical testing. Allele origin: germline.
Comment: This nonsense variant, located in exon 40 (of 42), has been observed in gnomAD with an allele frequency of 0.00037%, but has not been reported in ClinVar or identified in the literature. This variant introduces a premature stop codon, which is predicted to result in either a truncated protein or degradation of the mRNA via nonsense-mediated decay (NMD). According to the currently available evidence, this variant has been classified as uncertain significance (PVS1_M, PM2_P).

NM_001346249.2(RALGAPA1):c.7607T>A (p.Leu2536Ter)

Gene: RALGAPA1 (Ral GTPase activating protein catalytic subunit alpha 1; minus strand). Cytogenetic location: 14q13.2.
Variant type: single nucleotide variant.
Coding change: c.7607T>A on transcript NM_001346249.2 (MANE Select); coding-DNA position 7607, T replaced by A.
Protein change: p.Leu2536Ter; replaces leucine 2536 with a stop codon.
Molecular consequence: nonsense.
Genome position (GRCh38, 1-based): chr14:35,549,124, A>T on the plus strand (T>A on the coding strand, the complement: RALGAPA1 is on the minus strand). VCF-style: chr14-35549124-A-T. GRCh37 (hg19) VCF-style: chr14-36018330-A-T.
Other names: c.6128T>A, p.Leu2043Ter (NM_001283043.3); c.6230T>A, p.Leu2077Ter (NM_001283044.3, NM_001346245.2, NM_001346247.2); c.7466T>A, p.Leu2489Ter (NM_001330075.3, NM_001346248.2); c.6089T>A, p.Leu2030Ter (NM_001346243.2, NM_001346246.2, NM_014990.3 and 1 more transcripts); short protein forms L2030*, L2077*, L2489*, L2043*, L2536*.
Identifiers: ClinVar variation 5003029 (VCV005003029.1).